The following is an entry in ClinVar:

NM_031433.4(MFRP):c.770G>A (p.Arg257His)

Genes: C1QTNF5 (C1q and TNF related 5; minus strand), MFRP (membrane frizzled-related protein; minus strand). Cytogenetic location: 11q23.3.
Variant type: single nucleotide variant.
Coding change: c.770G>A on transcript NM_031433.4 (MANE Select); coding-DNA position 770, G replaced by A.
Protein change: p.Arg257His; replaces arginine 257 with histidine.
Molecular consequence: missense variant. On other transcripts: 5 prime UTR variant (1).
Genome position (GRCh38, 1-based): chr11:119,344,876, C>T on the plus strand (G>A on the coding strand, the complement: MFRP is on the minus strand). VCF-style: chr11-119344876-C-T. GRCh37 (hg19) VCF-style: chr11-119215586-C-T.
Other names: c.-1867G>A (NM_015645.5); short protein forms R257H.
Identifiers: ClinVar variation 198271 (VCV000198271.23), dbSNP rs61736238, ClinGen allele CA017169.

ClinVar aggregate classification (germline): Benign/Likely benign. Review status: criteria provided, multiple submitters, no conflicts (2 of 4 stars). 5 submissions from 5 submitters: Benign (4); Likely benign (1). Last evaluated 2026-02-01.

Conditions:
Isolated microphthalmia 5. Also called: Posterior Microphthalmia with Retinitis Pigmentosa, Foveoschisis, and Optic Disc Drusen. Identifiers: Orphanet 251279, MedGen C1970236, MONDO:0012605, OMIM 611040.
Late-onset retinal degeneration (LORD). Also called: RETINAL DEGENERATION, LATE-ONSET, AUTOSOMAL DOMINANT. Identifiers: Orphanet 67042, MedGen C1854065, MONDO:0011579, OMIM 605670. Disease mechanism: loss of function.

Allele frequency attached by ClinVar (database versions not stated): gnomAD 0.02848 and 0.03023; 1000 Genomes Project 0.03055; TOPMed 0.03091; 1000 Genomes Project 30x 0.03435; gnomAD exomes 0.00843 and 0.00307; ExAC 0.01070; ESP Exome Variant Server 0.03250.
gnomAD v4.1: 9,010 of 1,613,140 alleles (0.56%); highest among the groups gnomAD compares: African/African-American, 9.7%; 383 homozygotes.

Submissions (5):

Labcorp Genetics (formerly Invitae), Labcorp
Classification: Benign for Isolated microphthalmia 5. Last evaluated: 2026-02-01. Review status: criteria provided, single submitter. Criteria: Invitae Variant Classification Sherloc (09022015). Collection method: clinical testing. Allele origin: germline.

GeneDx
Classification: Benign. Last evaluated: 2021-05-04. Review status: criteria provided, single submitter. Criteria: GeneDx Variant Classification Process June 2021. Collection method: clinical testing. Allele origin: germline. Affected: yes.
Comment: This variant is associated with the following publications: (PMID: 27884173, 18648522, 20981092)

Illumina Laboratory Services, Illumina
Classification: Benign for Late-onset retinal degeneration. Last evaluated: 2018-01-13. Review status: criteria provided, single submitter. Criteria: ICSL Variant Classification Criteria 13 December 2019. Collection method: clinical testing. Allele origin: germline.
Comment: This variant was observed in the ICSL laboratory as part of a predisposition screen in an ostensibly healthy population. It had not been previously curated by ICSL or reported in the Human Gene Mutation Database (HGMD: prior to June 1st, 2018), and was therefore a candidate for classification through an automated scoring system. Utilizing variant allele frequency, disease prevalence and penetrance estimates, and inheritance mode, an automated score was calculated to assess if this variant is too frequent to cause the disease. Based on the score and internal cut-off values, a variant classified as benign is not then subjected to further curation. The score for this variant resulted in a classification of benign for this disease.

Eurofins Ntd Llc (ga)
Classification: Benign. Last evaluated: 2015-02-23. Review status: criteria provided, single submitter. Criteria: EGL Classification Definitions 2015. Collection method: clinical testing. Allele origin: germline. Observed: 1 variant allele, 1 heterozygote.

Breakthrough Genomics
Classification: Likely benign. Review status: criteria provided, single submitter. Criteria: ACMG Guidelines, 2015. Collection method: not provided. Allele origin: germline. Inheritance: Autosomal recessive inheritance. Affected: yes.